The following is an entry in ClinVar:

NM_000426.4(LAMA2):c.1207-1G>T

Gene: LAMA2 (laminin subunit alpha 2; plus strand). Cytogenetic location: 6q22.33.
Variant type: single nucleotide variant.
Coding change: c.1207-1G>T on transcript NM_000426.4 (MANE Select); the canonical splice acceptor site of the intron before coding-DNA position 1207, G replaced by T.
Molecular consequence: splice acceptor variant.
Genome position (GRCh38, 1-based): chr6:129,165,575, G>T. VCF-style: chr6-129165575-G-T. GRCh37 (hg19) VCF-style: chr6-129486720-G-T.
Other names: c.1207-1G>T (NM_001079823.2).
Identifiers: ClinVar variation 1472539 (VCV001472539.8), dbSNP rs746785436, ClinGen allele CA365607163.

ClinVar aggregate classification (germline): Likely pathogenic (1 of 4 stars; one submission).

Conditions:
LAMA2-related muscular dystrophy (LAMA2-RD). Also called: Laminin alpha 2-related dystrophy. Identifiers: MedGen C5679788, MONDO:0100228.

gnomAD v4.1: 1 of 1,597,484 alleles (0.000063%); highest among the groups gnomAD compares: Non-Finnish European, 0.000086%; no homozygotes.

Submission:

Labcorp Genetics (formerly Invitae), Labcorp
Classification: Likely pathogenic for LAMA2-related muscular dystrophy. Last evaluated: 2021-01-15. Review status: criteria provided, single submitter. Criteria: Invitae Variant Classification Sherloc (09022015). Collection method: clinical testing. Allele origin: germline.
Comment: Disruption of this splice site has been observed in individual(s) with clinical features of congenital muscular dystrophy (PMID: 20207543). This sequence change affects an acceptor splice site in intron 8 of the LAMA2 gene. It is expected to disrupt RNA splicing. Variants that disrupt the donor or acceptor splice site typically lead to a loss of protein function (PMID: 16199547), and loss-of-function variants in LAMA2 are known to be pathogenic (PMID: 18700894). This variant is not present in population databases (ExAC no frequency). Algorithms developed to predict the effect of sequence changes on RNA splicing suggest that this variant may disrupt the consensus splice site, but this prediction has not been confirmed by published transcriptional studies. In summary, the currently available evidence indicates that the variant is pathogenic, but additional data are needed to prove that conclusively. Therefore, this variant has been classified as Likely Pathogenic.

Literature cited by the submitters: PubMed 20207543; PubMed 16199547; PubMed 18700894.